The following is an entry in ClinVar:

NM_002500.5(NEUROD1):c.*6C>A

Gene: NEUROD1 (neuronal differentiation 1; minus strand). Cytogenetic location: 2q31.3.
Variant type: single nucleotide variant.
Coding change: c.*6C>A on transcript NM_002500.5 (MANE Select); 6 bases downstream of the stop codon, C replaced by A.
Molecular consequence: 3 prime UTR variant.
Genome position (GRCh38, 1-based): chr2:181,677,784, G>T on the plus strand (C>A on the coding strand, the complement: NEUROD1 is on the minus strand). VCF-style: chr2-181677784-G-T. GRCh37 (hg19) VCF-style: chr2-182542511-G-T.
Identifiers: ClinVar variation 896245 (VCV000896245.8), dbSNP rs576676213, ClinGen allele CA2011000.

ClinVar aggregate classification (germline): Benign. Review status: criteria provided, multiple submitters, no conflicts (2 of 4 stars). 3 submissions from 3 submitters: Benign (2). 1 of the submissions does not count toward it. Last evaluated 2025-01-30.

Conditions:
Maturity-onset diabetes of the young type 6 (MODY6). Identifiers: Orphanet 552, MedGen C1853371, MONDO:0011668, OMIM 606394.
NEUROD1-related disorder. Also called: NEUROD1-related condition.

Allele frequency attached by ClinVar (database versions not stated): gnomAD 0.00001 and 0.00017; 1000 Genomes Project 30x 0.00141; 1000 Genomes Project 0.00180.
gnomAD v4.1: 496 of 1,614,110 alleles (0.031%); highest among the groups gnomAD compares: South Asian, 0.52%; 4 homozygotes.

Submissions (3):

Women's Health and Genetics/Laboratory Corporation of America, LabCorp
Classification: Benign. Last evaluated: 2025-01-30. Review status: criteria provided, single submitter. Criteria: LabCorp Variant Classification Summary - May 2015. Collection method: clinical testing. Allele origin: germline.

Illumina Laboratory Services, Illumina
Classification: Benign for Maturity-onset diabetes of the young type 6. Last evaluated: 2018-01-12. Review status: criteria provided, single submitter. Criteria: ICSL Variant Classification Criteria 13 December 2019. Collection method: clinical testing. Allele origin: germline.
Comment: This variant was observed in the ICSL laboratory as part of a predisposition screen in an ostensibly healthy population. It had not been previously curated by ICSL or reported in the Human Gene Mutation Database (HGMD: prior to June 1st, 2018), and was therefore a candidate for classification through an automated scoring system. Utilizing variant allele frequency, disease prevalence and penetrance estimates, and inheritance mode, an automated score was calculated to assess if this variant is too frequent to cause the disease. Based on the score and internal cut-off values, a variant classified as benign is not then subjected to further curation. The score for this variant resulted in a classification of benign for this disease.

PreventionGenetics, part of Exact Sciences
Classification: Benign for NEUROD1-related condition. Last evaluated: 2019-08-01. Review status: no assertion criteria provided. Collection method: clinical testing. Allele origin: germline. Not counted in ClinVar's aggregate classification.
Comment: This variant is classified as benign based on ACMG/AMP sequence variant interpretation guidelines (Richards et al. 2015 PMID: 25741868, with internal and published modifications).